The following is an entry in ClinVar:

NM_198859.4(PRICKLE2):c.2003G>A (p.Arg668His)

Genes: PRICKLE2 (prickle planar cell polarity protein 2; minus strand), PRICKLE2-AS1 (PRICKLE2 antisense RNA 1; plus strand). Cytogenetic location: 3p14.1.
Variant type: single nucleotide variant.
Coding change: c.2003G>A on transcript NM_198859.4 (MANE Select); coding-DNA position 2003, G replaced by A.
Protein change: p.Arg668His; replaces arginine 668 with histidine.
Molecular consequence: missense variant. On other transcripts: non-coding transcript variant (1).
Genome position (GRCh38, 1-based): chr3:64,099,583, C>T on the plus strand (G>A on the coding strand, the complement: PRICKLE2 is on the minus strand). VCF-style: chr3-64099583-C-T. GRCh37 (hg19) VCF-style: chr3-64085259-C-T.
Other names: c.2003G>A, p.Arg668His (NM_001370528.1); short protein forms R668H.
Identifiers: ClinVar variation 2195962 (VCV002195962.4), dbSNP rs1424753428, ClinGen allele CA353427039.

ClinVar aggregate classification (germline): Uncertain significance (1 of 4 stars; one submission).

Conditions:
Progressive myoclonic epilepsy type 5. Identifiers: Orphanet 402082, MedGen C5190799.

Allele frequency attached by ClinVar (database versions not stated): TOPMed below 0.00001; gnomAD 0.00001; gnomAD exomes 0.00001.
gnomAD v4.1: 9 of 1,613,372 alleles (0.00056%); highest among the groups gnomAD compares: South Asian, 0.0011%; no homozygotes.

Submission:

Labcorp Genetics (formerly Invitae), Labcorp
Classification: Uncertain significance for Progressive myoclonic epilepsy type 5. Last evaluated: 2022-05-06. Review status: criteria provided, single submitter. Criteria: Invitae Variant Classification Sherloc (09022015). Collection method: clinical testing. Allele origin: germline.
Comment: In summary, the available evidence is currently insufficient to determine the role of this variant in disease. Therefore, it has been classified as a Variant of Uncertain Significance. Algorithms developed to predict the effect of missense changes on protein structure and function are either unavailable or do not agree on the potential impact of this missense change (SIFT: "Deleterious"; PolyPhen-2: "Benign"; Align-GVGD: "Class C25"). This variant has not been reported in the literature in individuals affected with PRICKLE2-related conditions. This variant is present in population databases (no rsID available, gnomAD 0.0009%). This sequence change replaces arginine, which is basic and polar, with histidine, which is basic and polar, at codon 668 of the PRICKLE2 protein (p.Arg668His).